The following is an entry in ClinVar:

ClinVar aggregate classification (germline): Benign (0 of 4 stars; one submission).

Conditions:
NPR3-related disorder. Also called: NPR3-related condition.

Allele frequency attached by ClinVar (database versions not stated): ExAC 0.01627; 1000 Genomes Project 30x 0.05091; TOPMed 0.04194; 1000 Genomes Project 0.04633; gnomAD exomes 0.00325; gnomAD 0.03735.
gnomAD v4.1: 10,244 of 1,501,148 alleles (0.68%); highest among the groups gnomAD compares: African/African-American, 13%; 621 homozygotes.

Submission:

PreventionGenetics, part of Exact Sciences
Classification: Benign for NPR3-related condition. Last evaluated: 2019-07-30. Review status: no assertion criteria provided. Collection method: clinical testing. Allele origin: germline.
Comment: This variant is classified as benign based on ACMG/AMP sequence variant interpretation guidelines (Richards et al. 2015 PMID: 25741868, with internal and published modifications).

NM_001364458.2(NPR3):c.50-14043G>A

Gene: NPR3 (natriuretic peptide receptor 3; plus strand). Cytogenetic location: 5p13.3.
Variant type: single nucleotide variant.
Coding change: c.50-14043G>A on transcript NM_001364458.2; 14043 bases into the intron before coding-DNA position 50, G replaced by A.
Molecular consequence: intron variant. On other transcripts: 5 prime UTR variant (3).
Genome position (GRCh38, 1-based): chr5:32,710,655, G>A. VCF-style: chr5-32710655-G-A. GRCh37 (hg19) VCF-style: chr5-32710761-G-A.
Other names: c.-8G>A (NM_001204376.2, NM_001363652.2, NM_001364460.2).
Identifiers: ClinVar variation 3044637 (VCV003044637.2), dbSNP rs28513089, ClinGen allele CA3222306.